The following is an entry in ClinVar:

ClinVar aggregate classification (germline): Pathogenic (1 of 4 stars; one submission).

Conditions:
Medium-chain acyl-coenzyme A dehydrogenase deficiency (ACADMD). Also called: ACADM DEFICIENCY; MCADD; MCADH DEFICIENCY; Medium chain acyl-CoA dehydrogenase deficiency; MCAD Deficiency; CARNITINE DEFICIENCY SECONDARY TO MEDIUM-CHAIN ACYL-CoA DEHYDROGENASE DEFICIENCY. Identifiers: Orphanet 42, MedGen C0220710, MONDO:0008721, OMIM 201450.

gnomAD v4.1: 2 of 1,614,058 alleles (0.00012%); highest among the groups gnomAD compares: Admixed American, 0.0033%; no homozygotes.

Submission:

Labcorp Genetics (formerly Invitae), Labcorp
Classification: Pathogenic for Medium-chain acyl-coenzyme A dehydrogenase deficiency. Last evaluated: 2025-11-03. Review status: criteria provided, single submitter. Criteria: Invitae Variant Classification Sherloc (09022015). Collection method: clinical testing. Allele origin: germline.
Comment: This sequence change replaces phenylalanine, which is neutral and non-polar, with leucine, which is neutral and non-polar, at codon 55 of the ACADM protein (p.Phe55Leu). This variant is present in population databases (no rsID available, gnomAD 0.009%). This missense change has been observed in individual(s) with MCAD deficiency (internal data). In at least one individual the data is consistent with being in trans (on the opposite chromosome) from a pathogenic variant. ClinVar contains an entry for this variant (Variation ID: 3684891). Invitae Evidence Modeling of protein sequence and biophysical properties (such as structural, functional, and spatial information, amino acid conservation, physicochemical variation, residue mobility, and thermodynamic stability) indicates that this missense variant is not expected to disrupt ACADM protein function with a negative predictive value of 80%. For these reasons, this variant has been classified as Pathogenic.

NM_000016.6(ACADM):c.163T>C (p.Phe55Leu)

Gene: ACADM (acyl-CoA dehydrogenase medium chain; plus strand). Cytogenetic location: 1p31.1.
Variant type: single nucleotide variant.
Coding change: c.163T>C on transcript NM_000016.6 (MANE Select); coding-DNA position 163, T replaced by C.
Protein change: p.Phe55Leu; replaces phenylalanine 55 with leucine.
Molecular consequence: missense variant. On other transcripts: 5 prime UTR variant (1).
Genome position (GRCh38, 1-based): chr1:75,732,688, T>C. VCF-style: chr1-75732688-T-C. GRCh37 (hg19) VCF-style: chr1-76198373-T-C.
Other names: c.175T>C, p.Phe59Leu (NM_001127328.3); c.55T>C, p.Phe19Leu (NM_001286042.2); c.163T>C, p.Phe55Leu (NM_001286043.2); c.-223T>C (NM_001286044.2); short protein forms F55L, F19L, F59L.
Identifiers: ClinVar variation 3684891 (VCV003684891.2).